The following is an entry in ClinVar:

ClinVar aggregate classification (germline): Uncertain significance. Review status: criteria provided, multiple submitters, no conflicts (2 of 4 stars). 3 submissions from 3 submitters: Uncertain significance (3). Last evaluated 2025-04-21.

Allele frequency attached by ClinVar (database versions not stated): gnomAD 0.00001; gnomAD exomes 0.00001; TOPMed 0.00001; ExAC 0.00002.
gnomAD v4.1: 19 of 1,613,914 alleles (0.0012%); highest among the groups gnomAD compares: Admixed American, 0.0067%; no homozygotes.

Submissions (3):

Labcorp Genetics (formerly Invitae), Labcorp
Classification: Uncertain significance. Last evaluated: 2025-04-21. Review status: criteria provided, single submitter. Criteria: Invitae Variant Classification Sherloc (09022015). Collection method: clinical testing. Allele origin: germline.
Comment: This sequence change replaces aspartic acid, which is acidic and polar, with glycine, which is neutral and non-polar, at codon 66 of the RP1L1 protein (p.Asp66Gly). This variant is present in population databases (rs750206351, gnomAD 0.009%). This variant has not been reported in the literature in individuals affected with RP1L1-related conditions. ClinVar contains an entry for this variant (Variation ID: 2062978). Invitae Evidence Modeling of protein sequence and biophysical properties (such as structural, functional, and spatial information, amino acid conservation, physicochemical variation, residue mobility, and thermodynamic stability) has been performed for this missense variant. However, the output from this modeling did not meet the statistical confidence thresholds required to predict the impact of this variant on RP1L1 protein function. In summary, the available evidence is currently insufficient to determine the role of this variant in disease. Therefore, it has been classified as a Variant of Uncertain Significance.

Dasa
Classification: Uncertain significance. Last evaluated: 2024-05-15. Review status: criteria provided, single submitter. Criteria: DASA Assertion Criteria. Collection method: clinical testing. Allele origin: germline.
Comment: NM_178857.6(RP1L1):c.197A>G (p.Asp66Gly) is a missense variant that results in the substitution of aspartic acid with glycine. The affected residue or protein region has prior evidence supporting clinical relevance. Published studies describe this variant in association with RP1L1-related disorders (PMID: 33546218). Also, this variant is absent from population databases. Computational prediction algorithms are consistent with a deleterious effect. The currently available literature and clinical evidence are not sufficient to establish a definitive association between this variant and the reported condition. Therefore, this variant is classified as a variant of uncertain significance.

Blueprint Genetics
Classification: Uncertain significance. Last evaluated: 2021-09-28. Review status: criteria provided, single submitter. Criteria: ACMG Guidelines, 2015. Collection method: clinical testing. Allele origin: germline.

Literature cited by the submitters: PubMed 33546218 (cited by Dasa).

NM_178857.6(RP1L1):c.197A>G (p.Asp66Gly)

Gene: RP1L1 (RP1 like 1). Cytogenetic location: 8p23.1.
Variant type: single nucleotide variant.
Coding change: c.197A>G on transcript NM_178857.6 (MANE Select); coding-DNA position 197, A replaced by G.
Protein change: p.Asp66Gly; replaces aspartic acid 66 with glycine.
Molecular consequence: missense variant.
Genome position (GRCh38, 1-based): chr8:10,623,005, T>C on the plus strand (A>G on the coding strand, the complement: RP1L1 is on the minus strand). VCF-style: chr8-10623005-T-C. GRCh37 (hg19) VCF-style: chr8-10480515-T-C.
Other names: short protein forms D66G.
Identifiers: ClinVar variation 2062978 (VCV002062978.7), dbSNP rs750206351, ClinGen allele CA4625825.
Genomic context (GRCh38, chr8:10,623,005, plus strand): 5'-CCCCGGGGTGTGGTGACAGAGCGCACCCCAAAGGAGAGAGGCACGCGCTGGGAGAGCTCG[T>C]CCATGAGGGCGCTGAAGGTCTTAAAGGCGCGCTGGTGAACGGCCAGGCGGACCCCAGCAA-3'
Protein context (NP_849188.4, residues 56-76): RAFKTFSALM[Asp66Gly]ELSQRVPLSF